The following is an entry in ClinVar:

NM_182961.4(SYNE1):c.4103G>C (p.Ser1368Thr)

Gene: SYNE1 (spectrin repeat containing nuclear envelope protein 1; minus strand). Cytogenetic location: 6q25.2.
Variant type: single nucleotide variant.
Coding change: c.4103G>C on transcript NM_182961.4 (MANE Select); coding-DNA position 4103, G replaced by C.
Protein change: p.Ser1368Thr; replaces serine 1368 with threonine.
Molecular consequence: missense variant.
Genome position (GRCh38, 1-based): chr6:152,441,176, C>G on the plus strand (G>C on the coding strand, the complement: SYNE1 is on the minus strand). VCF-style: chr6-152441176-C-G. GRCh37 (hg19) VCF-style: chr6-152762311-C-G.
Other names: c.4124G>C, p.Ser1375Thr (NM_033071.5); short protein forms S1368T, S1375T.
Identifiers: ClinVar variation 1398294 (VCV001398294.3), dbSNP rs998116525, ClinGen allele CA150228934.

ClinVar aggregate classification (germline): Uncertain significance (1 of 4 stars; one submission).

Conditions:
Emery-Dreifuss muscular dystrophy 4, autosomal dominant (EDMD4). Also called: EMERY-DREIFUSS MUSCULAR DYSTROPHY 4 WITH VARIABLE FEATURES. Identifiers: Orphanet 261, MedGen C2751807, MONDO:0013071, OMIM 612998.
Autosomal recessive ataxia, Beauce type. Also called: SYNE1-Related Autosomal Recessive Cerebellar Ataxia; Spinocerebellar ataxia, autosomal recessive 8; ATAXIA, RECESSIVE, OF BEAUCE; SYNE1 Deficiency. Identifiers: Orphanet 88644, MedGen C1853116, MONDO:0012549, OMIM 610743.

Allele frequency attached by ClinVar (database versions not stated): TOPMed below 0.00001.
gnomAD v4.1: 11 of 1,613,692 alleles (0.00068%); highest among the groups gnomAD compares: Non-Finnish European, 0.00085%; no homozygotes.

Submission:

Labcorp Genetics (formerly Invitae), Labcorp
Classification: Uncertain significance for Emery-Dreifuss muscular dystrophy 4, autosomal dominant; Autosomal recessive ataxia, Beauce type. Last evaluated: 2022-10-16. Review status: criteria provided, single submitter. Criteria: Invitae Variant Classification Sherloc (09022015). Collection method: clinical testing. Allele origin: germline.
Comment: This sequence change replaces serine, which is neutral and polar, with threonine, which is neutral and polar, at codon 1375 of the SYNE1 protein (p.Ser1375Thr). This variant is not present in population databases (gnomAD no frequency). This variant has not been reported in the literature in individuals affected with SYNE1-related conditions. ClinVar contains an entry for this variant (Variation ID: 1398294). Algorithms developed to predict the effect of missense changes on protein structure and function (SIFT, PolyPhen-2, Align-GVGD) all suggest that this variant is likely to be tolerated. In summary, the available evidence is currently insufficient to determine the role of this variant in disease. Therefore, it has been classified as a Variant of Uncertain Significance.